The following is an entry in ClinVar:

NM_030973.4(MED25):c.1643A>G (p.Gln548Arg)

Gene: MED25 (mediator complex subunit 25; plus strand). Cytogenetic location: 19q13.33.
Variant type: single nucleotide variant.
Coding change: c.1643A>G on transcript NM_030973.4 (MANE Select); coding-DNA position 1643, A replaced by G.
Protein change: p.Gln548Arg; replaces glutamine 548 with arginine.
Molecular consequence: missense variant.
Genome position (GRCh38, 1-based): chr19:49,835,146, A>G. VCF-style: chr19-49835146-A-G. GRCh37 (hg19) VCF-style: chr19-50338403-A-G.
Other names: c.1643A>G, p.Gln548Arg (NM_001378355.1); short protein forms Q548R.
Identifiers: ClinVar variation 853310 (VCV000853310.10), dbSNP rs2074086161, ClinGen allele CA406918495.

ClinVar aggregate classification (germline): Uncertain significance (1 of 4 stars; one submission).

Conditions:
Charcot-Marie-Tooth disease type 2. Also called: Charcot-Marie-Tooth type 2. Identifiers: Orphanet 64746, MedGen C0270914, MONDO:0018993.

Submission:

Labcorp Genetics (formerly Invitae), Labcorp
Classification: Uncertain significance for Charcot-Marie-Tooth disease type 2. Last evaluated: 2019-12-15. Review status: criteria provided, single submitter. Criteria: Invitae Variant Classification Sherloc (09022015). Collection method: clinical testing. Allele origin: germline.
Comment: In summary, the available evidence is currently insufficient to determine the role of this variant in disease. Therefore, it has been classified as a Variant of Uncertain Significance. Algorithms developed to predict the effect of missense changes on protein structure and function are either unavailable or do not agree on the potential impact of this missense change (SIFT: "Tolerated"; PolyPhen-2: "Possibly Damaging"; Align-GVGD: "Class C0"). This variant has not been reported in the literature in individuals with MED25-related conditions. This variant is not present in population databases (ExAC no frequency). This sequence change replaces glutamine with arginine at codon 548 of the MED25 protein (p.Gln548Arg). The glutamine residue is highly conserved and there is a small physicochemical difference between glutamine and arginine.